The following is an entry in ClinVar:

ClinVar aggregate classification (germline): Uncertain significance (1 of 4 stars; one submission).

Conditions:
Hereditary cancer-predisposing syndrome. Also called: Tumor predisposition; Neoplastic Syndromes, Hereditary; Hereditary Cancer Syndrome; Hereditary neoplastic syndrome. Identifiers: Orphanet 140162, MedGen C0027672, MeSH D009386, MONDO:0015356.

Submission:

Ambry Genetics
Classification: Uncertain significance for Hereditary cancer-predisposing syndrome. Last evaluated: 2025-01-08. Review status: criteria provided, single submitter. Criteria: Ambry Variant Classification Scheme 2023. Collection method: clinical testing. Allele origin: germline.
Comment: The c.1180_1182delCAGinsTAT variant (also known as p.Q394Y), located in coding exon 8 of the MSH3 gene, results from an in-frame deletion of CAG and insertion of TAT at nucleotide positions 1180 to 1182. This results in the substitution of the glutamine residue for a tyrosine residue at codon 394, an amino acid with similar properties. This amino acid position is highly conserved in available vertebrate species. In addition, the in silico prediction for this alteration is inconclusive (Choi Y et al. PLoS ONE. 2012; 7(10):e46688). Based on the available evidence, the clinical significance of this variant remains unclear.

NM_002439.5(MSH3):c.1180_1182delinsTAT (p.Gln394Tyr)

Gene: MSH3 (mutS homolog 3; plus strand). Cytogenetic location: 5q14.1.
Variant type: Indel.
Coding change: c.1180_1182delinsTAT on transcript NM_002439.5 (MANE Select); coding-DNA positions 1180 to 1182, CAG replaced by TAT.
Protein change: p.Gln394Tyr; replaces glutamine 394 with tyrosine.
Molecular consequence: missense variant.
Genome position (GRCh38, 1-based): chr5:80,678,933-80,678,935, CAG replaced by TAT. VCF-style: chr5-80678933-CAG-TAT. GRCh37 (hg19) VCF-style: chr5-79974752-CAG-TAT.
Other names: short protein forms Q394Y.
Identifiers: ClinVar variation 3874950 (VCV003874950.1).